The following is an entry in ClinVar:

NM_005921.2(MAP3K1):c.2284_2286dup (p.Asp762_Arg763insAsp)

Gene: MAP3K1 (mitogen-activated protein kinase kinase kinase 1; plus strand). Cytogenetic location: 5q11.2.
Variant type: Duplication.
Coding change: c.2284_2286dup on transcript NM_005921.2 (MANE Select); coding-DNA positions 2284 to 2286, 3 bases duplicated (GAT; older notation c.2284_2286dupGAT).
Protein change: p.Asp762_Arg763insAsp.
Genome position (GRCh38, 1-based): chr5:56,881,187-56,881,189, GAT duplicated. VCF-style (leftmost placement, unchanged base first): chr5-56881186-A-AGAT. GRCh37 (hg19) VCF-style: chr5-56177013-A-AGAT.
Identifiers: ClinVar variation 3646282 (VCV003646282.2).

ClinVar aggregate classification (germline): Uncertain significance (1 of 4 stars; one submission).

Conditions:
46,XY sex reversal 6. Also called: 46,XY SEX REVERSAL, PARTIAL OR COMPLETE, MAP3K1-RELATED; 46,XY GONADAL DYSGENESIS, PARTIAL OR COMPLETE, MAP3K1-RELATED. Identifiers: MedGen C3151064, MONDO:0013410, OMIM 613762.

Submission:

Labcorp Genetics (formerly Invitae), Labcorp
Classification: Uncertain significance for 46,XY sex reversal 6. Last evaluated: 2024-04-03. Review status: criteria provided, single submitter. Criteria: Invitae Variant Classification Sherloc (09022015). Collection method: clinical testing. Allele origin: germline.
Comment: This variant, c.2284_2286dup, results in the insertion of 1 amino acid(s) of the MAP3K1 protein (p.Asp762dup), but otherwise preserves the integrity of the reading frame. This variant is not present in population databases (gnomAD no frequency). This variant has not been reported in the literature in individuals affected with MAP3K1-related conditions. In summary, the available evidence is currently insufficient to determine the role of this variant in disease. Therefore, it has been classified as a Variant of Uncertain Significance.